The following is an entry in ClinVar:

ClinVar aggregate classification (germline): Uncertain significance. Review status: criteria provided, multiple submitters, no conflicts (2 of 4 stars). 3 submissions from 3 submitters: Uncertain significance (3). Last evaluated 2026-05-13.

Conditions:
Acromesomelic dysplasia 1, Maroteaux type (AMD1). Also called: ST. HELENA DYSPLASIA; ACROMESOMELIC DYSPLASIA 1. Identifiers: Orphanet 40, MedGen C1864356, MONDO:0011275, OMIM 602875.
Tall stature-scoliosis-macrodactyly of the great toes syndrome. Also called: Epiphyseal chondrodysplasia, miura type. Identifiers: Orphanet 329191, MedGen C4014690, MONDO:0014401, OMIM 615923.

Allele frequency attached by ClinVar (database versions not stated): gnomAD exomes 0.00002; gnomAD 0.00004 and 0.00003; ExAC 0.00002; TOPMed 0.00006; ESP Exome Variant Server 0.00008.

Submissions (3):

Women's Health and Genetics/Laboratory Corporation of America, LabCorp
Classification: Uncertain significance. Last evaluated: 2026-05-13. Review status: criteria provided, single submitter. Criteria: LabCorp Variant Classification Summary - May 2015. Collection method: clinical testing. Allele origin: germline.

Labcorp Genetics (formerly Invitae), Labcorp
Classification: Uncertain significance for Tall stature-scoliosis-macrodactyly of the great toes syndrome; Acromesomelic dysplasia 1, Maroteaux type. Last evaluated: 2019-02-27. Review status: criteria provided, single submitter. Criteria: Invitae Variant Classification Sherloc (09022015). Collection method: clinical testing. Allele origin: germline.
Comment: In summary, the available evidence is currently insufficient to determine the role of this variant in disease. Therefore, it has been classified as a Variant of Uncertain Significance. Algorithms developed to predict the effect of missense changes on protein structure and function (SIFT, PolyPhen-2, Align-GVGD) all suggest that this variant is likely to be tolerated, but these predictions have not been confirmed by published functional studies and their clinical significance is uncertain. This variant has not been reported in the literature in individuals with NPR2-related conditions. ClinVar contains an entry for this variant (Variation ID: 445544). This variant is present in population databases (rs369154896, ExAC 0.02%). This sequence change replaces alanine with valine at codon 774 of the NPR2 protein (p.Ala774Val). The alanine residue is moderately conserved and there is a small physicochemical difference between alanine and valine.

Center for Pediatric Genomic Medicine, Children's Mercy Hospital and Clinics
Classification: Uncertain significance. Last evaluated: 2017-06-19. Review status: criteria provided, single submitter. Criteria: ACMG Guidelines, 2015. Collection method: clinical testing. Allele origin: germline.

NM_003995.4(NPR2):c.2321C>T (p.Ala774Val)

Gene: NPR2 (natriuretic peptide receptor 2; plus strand). Cytogenetic location: 9p13.3.
Variant type: single nucleotide variant.
Coding change: c.2321C>T on transcript NM_003995.4 (MANE Select); coding-DNA position 2321, C replaced by T.
Protein change: p.Ala774Val; replaces alanine 774 with valine.
Molecular consequence: missense variant.
Genome position (GRCh38, 1-based): chr9:35,806,182, C>T. VCF-style: chr9-35806182-C-T. GRCh37 (hg19) VCF-style: chr9-35806179-C-T.
Other names: c.2330C>T, p.Ala777Val (NM_001378923.1); short protein forms A774V, A777V.
Identifiers: ClinVar variation 445544 (VCV000445544.13), dbSNP rs369154896, ClinGen allele CA5051936.